The following is an entry in ClinVar:

NM_030973.4(MED25):c.287C>G (p.Thr96Ser)

Gene: MED25 (mediator complex subunit 25; plus strand). Cytogenetic location: 19q13.33.
Variant type: single nucleotide variant.
Coding change: c.287C>G on transcript NM_030973.4 (MANE Select); coding-DNA position 287, C replaced by G.
Protein change: p.Thr96Ser; replaces threonine 96 with serine.
Molecular consequence: missense variant.
Genome position (GRCh38, 1-based): chr19:49,819,278, C>G. VCF-style: chr19-49819278-C-G. GRCh37 (hg19) VCF-style: chr19-50322535-C-G.
Other names: c.287C>G, p.Thr96Ser (NM_001378355.1); short protein forms T96S.
Identifiers: ClinVar variation 1446247 (VCV001446247.6), dbSNP rs2123862294, ClinGen allele CA406909772.
Genomic context (GRCh38, chr19:49,819,278, plus strand): 5'-GCGCTCCCGAGTCCTACGTACAATGTCACGCTCCCACCAGCAGCGCCTATGAGTTTGTCA[C>G]CTGGCTCGATGGCATTAAGTGAGCTTTCCCCCACTTGGGGTGGGTTGCTGGTCCCTGTGA-3'
Protein context (NP_112235.2, residues 86-106): APTSSAYEFV[Thr96Ser]WLDGIKFMGG

ClinVar aggregate classification (germline): Uncertain significance (1 of 4 stars; one submission).

Conditions:
Charcot-Marie-Tooth disease type 2. Also called: Charcot-Marie-Tooth type 2. Identifiers: Orphanet 64746, MedGen C0270914, MONDO:0018993.

Submission:

Labcorp Genetics (formerly Invitae), Labcorp
Classification: Uncertain significance for Charcot-Marie-Tooth disease type 2. Last evaluated: 2021-10-25. Review status: criteria provided, single submitter. Criteria: Invitae Variant Classification Sherloc (09022015). Collection method: clinical testing. Allele origin: germline.
Comment: In summary, the available evidence is currently insufficient to determine the role of this variant in disease. Therefore, it has been classified as a Variant of Uncertain Significance. Algorithms developed to predict the effect of missense changes on protein structure and function (SIFT, PolyPhen-2, Align-GVGD) all suggest that this variant is likely to be tolerated. This variant has not been reported in the literature in individuals affected with MED25-related conditions. This variant is not present in population databases (ExAC no frequency). This sequence change replaces threonine with serine at codon 96 of the MED25 protein (p.Thr96Ser). The threonine residue is moderately conserved and there is a small physicochemical difference between threonine and serine.